The following is an entry in ClinVar:

ClinVar aggregate classification (germline): Uncertain significance (1 of 4 stars; one submission).

Conditions:
Capillary malformation-arteriovenous malformation syndrome. Also called: Capillary malformation-arteriovenous malformation. Identifiers: Orphanet 137667, MedGen C1842180, MONDO:0012016.

Submission:

Labcorp Genetics (formerly Invitae), Labcorp
Classification: Uncertain significance for Capillary malformation-arteriovenous malformation syndrome. Last evaluated: 2022-06-13. Review status: criteria provided, single submitter. Criteria: Invitae Variant Classification Sherloc (09022015). Collection method: clinical testing. Allele origin: germline.
Comment: In summary, the available evidence is currently insufficient to determine the role of this variant in disease. Therefore, it has been classified as a Variant of Uncertain Significance. Experimental studies and prediction algorithms are not available or were not evaluated, and the functional significance of this variant is currently unknown. This variant has not been reported in the literature in individuals affected with RASA1-related conditions. This variant is not present in population databases (gnomAD no frequency). This variant, c.17_28del, results in the deletion of 4 amino acid(s) of the RASA1 protein (p.Ala6_Glu9del), but otherwise preserves the integrity of the reading frame.

NM_002890.3(RASA1):c.17_28del (p.Ala6_Glu9del)

Gene: RASA1 (RAS p21 protein activator 1; plus strand). Cytogenetic location: 5q14.3.
Variant type: Deletion.
Coding change: c.17_28del on transcript NM_002890.3 (MANE Select); coding-DNA positions 17 to 28, 12 bases deleted (CCGGCAGTGAGG).
Protein change: p.Ala6_Glu9del.
Molecular consequence: inframe deletion.
Genome position (GRCh38, 1-based): chr5:87,268,468-87,268,479, CCGGCAGTGAGG deleted; deleting any 12 consecutive bases within chr5:87,268,464-87,268,479 gives the same sequence; the c. name uses the placement nearest the transcript's 3' end. VCF-style (leftmost placement, unchanged base first): chr5-87268463-CGAGGCCGGCAGT-C. GRCh37 (hg19) VCF-style: chr5-86564280-CGAGGCCGGCAGT-C.
Identifiers: ClinVar variation 1402800 (VCV001402800.8), dbSNP rs2112221984, ClinGen allele CA2573140123.
Genomic context (GRCh38, chr5:87,268,463, plus strand): 5'-CTGGGGCTCCCGGGCGGGCAGGGTAGGGCAGAGTAGAGCGGGCTTCAACATGATGGCGGC[CGAGGCCGGCAGT>C]GAGGAGGGCGGCCCGGTAACAGCCGGAGCTGGAGGAGGCGGCGCGGCAGCGGGCTCCAGT-3'